The following is an entry in ClinVar:

NC_000002.12:g.121530962G>A

Genes: CLASP1 (cytoplasmic linker associated protein 1; minus strand), CLASP1-AS1 (CLASP1 antisense RNA 1; plus strand), RNU4ATAC (RNA, U4atac small nuclear; plus strand). Cytogenetic location: 2q14.2.
Variant type: single nucleotide variant.
Molecular consequence: intron variant (on NM_001395891.1).
Genome position: GRCh38 VCF-style: chr2-121530962-G-A. GRCh37 (hg19) VCF-style: chr2-122288538-G-A.
Other names: c.196-637C>T (NM_001142274.2, NM_015282.3, NM_001378003.1 and 5 more transcripts).
Identifiers: ClinVar variation 1471188 (VCV001471188.3), dbSNP rs187757075, ClinGen allele CA1854725.

ClinVar aggregate classification (germline): Uncertain significance (1 of 4 stars; one submission).

Allele frequency attached by ClinVar (database versions not stated): ExAC 0.00046; 1000 Genomes Project 0.00060; 1000 Genomes Project 30x 0.00062.
gnomAD v4.1: 513 of 700,378 alleles (0.073%); highest among the groups gnomAD compares: Non-Finnish European, 0.098%; no homozygotes.

Submission:

Labcorp Genetics (formerly Invitae), Labcorp
Classification: Uncertain significance. Last evaluated: 2022-10-24. Review status: criteria provided, single submitter. Criteria: Invitae Variant Classification Sherloc (09022015). Collection method: clinical testing. Allele origin: germline.
Comment: This variant occurs in the RNU4ATAC gene, which encodes an RNA molecule that does not result in a protein product. This variant is present in population databases (rs187757075, gnomAD 0.07%), and has an allele count higher than expected for a pathogenic variant. This variant has not been reported in the literature in individuals affected with RNU4ATAC-related conditions. ClinVar contains an entry for this variant (Variation ID: 1471188). Experimental studies and prediction algorithms are not available or were not evaluated, and the functional significance of this variant is currently unknown. In summary, the available evidence is currently insufficient to determine the role of this variant in disease. Therefore, it has been classified as a Variant of Uncertain Significance.